The following is an entry in ClinVar:

ClinVar aggregate classification (germline): Conflicting classifications of pathogenicity. Review status: criteria provided, conflicting classifications (1 of 4 stars). 3 submissions from 3 submitters: Uncertain significance (2); Likely benign (1). Last evaluated 2025-09-23.

Conditions:
Hereditary cancer-predisposing syndrome. Also called: Neoplastic Syndromes, Hereditary; Tumor predisposition; Hereditary Cancer Syndrome; Hereditary neoplastic syndrome. Identifiers: Orphanet 140162, MedGen C0027672, MeSH D009386, MONDO:0015356.
Familial adenomatous polyposis 2. Also called: Adenomas, multiple colorectal; MUTYH Polyposis; COLORECTAL ADENOMATOUS POLYPOSIS, AUTOSOMAL RECESSIVE; ADENOMAS, MULTIPLE COLORECTAL, AUTOSOMAL RECESSIVE; MUTYH-associated polyposis; MUTYH-related attenuated familial adenomatous polyposis. Identifiers: Orphanet 220460, Orphanet 247798, MedGen C3272841, MONDO:0012041, OMIM 608456.

Submissions (3):

Ambry Genetics
Classification: Likely benign for Hereditary cancer-predisposing syndrome. Last evaluated: 2025-09-23. Review status: criteria provided, single submitter. Criteria: Ambry Variant Classification Scheme 2023. Collection method: clinical testing. Allele origin: germline.

Labcorp Genetics (formerly Invitae), Labcorp
Classification: Uncertain significance for Familial adenomatous polyposis 2. Last evaluated: 2025-02-02. Review status: criteria provided, single submitter. Criteria: Invitae Variant Classification Sherloc (09022015). Collection method: clinical testing. Allele origin: germline.
Comment: This sequence change replaces glutamine, which is neutral and polar, with glutamic acid, which is acidic and polar, at codon 78 of the MUTYH protein (p.Gln78Glu). This variant is not present in population databases (gnomAD no frequency). This variant has not been reported in the literature in individuals affected with MUTYH-related conditions. ClinVar contains an entry for this variant (Variation ID: 933494). An algorithm developed to predict the effect of missense changes on protein structure and function (PolyPhen-2) suggests that this variant is likely to be tolerated. Algorithms developed to predict the effect of sequence changes on RNA splicing suggest that this variant may create or strengthen a splice site. In summary, the available evidence is currently insufficient to determine the role of this variant in disease. Therefore, it has been classified as a Variant of Uncertain Significance.

Baylor Genetics
Classification: Uncertain significance for Familial adenomatous polyposis 2. Last evaluated: 2023-05-11. Review status: criteria provided, single submitter. Criteria: ACMG Guidelines, 2015. Collection method: clinical testing. Allele origin: unknown.

NM_001048174.2(MUTYH):c.148C>G (p.Gln50Glu)

Gene: MUTYH (mutY DNA glycosylase; minus strand). Cytogenetic location: 1p34.1.
Variant type: single nucleotide variant.
Coding change: c.148C>G on transcript NM_001048174.2 (MANE Select); coding-DNA position 148, C replaced by G.
Protein change: p.Gln50Glu; replaces glutamine 50 with glutamic acid.
Molecular consequence: missense variant. On other transcripts: 5 prime UTR variant (1), non-coding transcript variant (2), intron variant (3).
Genome position (GRCh38, 1-based): chr1:45,333,529, G>C on the plus strand (C>G on the coding strand, the complement: MUTYH is on the minus strand). VCF-style: chr1-45333529-G-C. GRCh37 (hg19) VCF-style: chr1-45799201-G-C.
Other names: c.148C>G, p.Gln50Glu (NM_001048171.2, NM_001048173.2, NM_001293195.2); c.151C>G, p.Gln51Glu (NM_001048172.2); c.232C>G, p.Gln78Glu (NM_001128425.2); c.193C>G, p.Gln65Glu (NM_001293190.2); c.181C>G, p.Gln61Glu (NM_001293191.2); c.-124C>G (NM_001350650.2); c.223C>G, p.Gln75Glu (NM_012222.3); c.-92-32C>G (NM_001350651.2); and 1 more; short protein forms Q51E, Q65E, Q50E, Q75E, Q78E, Q61E.
Identifiers: ClinVar variation 933494 (VCV000933494.14), dbSNP rs1645377813, ClinGen allele CA340136592.
Genomic context (GRCh38, chr1:45,333,529, plus strand): 5'-CTCGGAAGGCTGTGACTTCAGCTACGTCTCTGAATAGATGGTATGAGGAGACAGAGGCCT[G>C]CAATACCACCTCTTCCGGCTGCCTGGCCAGGCCTGCTGGGGCCCCAGGACACTCAGCAAT-3'
Protein context (NP_001041639.1, residues 40-60): LARQPEEVVL[Gln50Glu]ASVSSYHLFR